The following is an entry in ClinVar:

NM_194302.4(CFAP65):c.3939C>T (p.Asp1313=)

Genes: CFAP65 (cilia and flagella associated protein 65; minus strand), CFAP65-AS1 (CFAP65 antisense RNA 1; plus strand). Cytogenetic location: 2q35.
Variant type: single nucleotide variant.
Coding change: c.3939C>T on transcript NM_194302.4 (MANE Select); coding-DNA position 3939, C replaced by T.
Protein change: p.Asp1313=; no amino-acid change (aspartic acid 1313 retained).
Molecular consequence: synonymous variant.
Genome position (GRCh38, 1-based): chr2:219,013,277, G>A on the plus strand (C>T on the coding strand, the complement: CFAP65 is on the minus strand). VCF-style: chr2-219013277-G-A. GRCh37 (hg19) VCF-style: chr2-219877999-G-A.
Identifiers: ClinVar variation 2651904 (VCV002651904.25), dbSNP rs151066400, ClinGen allele CA2115120.

ClinVar aggregate classification (germline): Likely benign. Review status: criteria provided, multiple submitters, no conflicts (2 of 4 stars). 2 submissions from 2 submitters: Likely benign (2). Last evaluated 2024-09-18.

Allele frequency attached by ClinVar (database versions not stated): gnomAD exomes 0.00020; ExAC 0.00066; ESP Exome Variant Server 0.00169; gnomAD 0.00205; TOPMed 0.00233; 1000 Genomes Project 0.00240; 1000 Genomes Project 30x 0.00250.
gnomAD v4.1: 646 of 1,613,224 alleles (0.04%); highest among the groups gnomAD compares: African/African-American, 0.6%; 3 homozygotes.

Submissions (2):

Blueprint Genetics
Classification: Likely benign. Last evaluated: 2024-09-18. Review status: criteria provided, single submitter. Criteria: ACMG Guidelines, 2015. Collection method: clinical testing. Allele origin: germline.

CeGaT Center for Human Genetics Tuebingen
Classification: Likely benign. Last evaluated: 2022-03-01. Review status: criteria provided, single submitter. Criteria: CeGaT Center For Human Genetics Tuebingen Variant Classification Criteria Version 2. Collection method: clinical testing. Allele origin: germline. Affected: yes. Observed: 1 variant allele.
Comment: CFAP65: BP4, BP7